The following is an entry in ClinVar:

NM_000260.4(MYO7A):c.3325C>A (p.His1109Asn)

Gene: MYO7A (myosin VIIA; plus strand). Cytogenetic location: 11q13.5.
Variant type: single nucleotide variant.
Coding change: c.3325C>A on transcript NM_000260.4 (MANE Select); coding-DNA position 3325, C replaced by A.
Protein change: p.His1109Asn; replaces histidine 1109 with asparagine.
Molecular consequence: missense variant.
Genome position (GRCh38, 1-based): chr11:77,183,107, C>A. VCF-style: chr11-77183107-C-A. GRCh37 (hg19) VCF-style: chr11-76894152-C-A.
Other names: c.3325C>A, p.His1109Asn (NM_001127180.2); c.3292C>A, p.His1098Asn (NM_001369365.1); short protein forms H1098N, H1109N.
Identifiers: ClinVar variation 1713875 (VCV001713875.5), dbSNP rs2497249450, ClinGen allele CA381945564.

ClinVar aggregate classification (germline): Uncertain significance (1 of 4 stars; one submission).

Submission:

Labcorp Genetics (formerly Invitae), Labcorp
Classification: Uncertain significance. Last evaluated: 2022-07-26. Review status: criteria provided, single submitter. Criteria: Invitae Variant Classification Sherloc (09022015). Collection method: clinical testing. Allele origin: germline.
Comment: In summary, the available evidence is currently insufficient to determine the role of this variant in disease. Therefore, it has been classified as a Variant of Uncertain Significance. Advanced modeling of protein sequence and biophysical properties (such as structural, functional, and spatial information, amino acid conservation, physicochemical variation, residue mobility, and thermodynamic stability) performed at Invitae indicates that this missense variant is not expected to disrupt MYO7A protein function. This variant has not been reported in the literature in individuals affected with MYO7A-related conditions. This variant is not present in population databases (gnomAD no frequency). This sequence change replaces histidine, which is basic and polar, with asparagine, which is neutral and polar, at codon 1109 of the MYO7A protein (p.His1109Asn).